The following is an entry in ClinVar:

NM_001199397.3(NEK1):c.1649G>A (p.Arg550Gln)

Gene: NEK1 (NIMA related kinase 1; minus strand). Cytogenetic location: 4q33.
Variant type: single nucleotide variant.
Coding change: c.1649G>A on transcript NM_001199397.3 (MANE Select); coding-DNA position 1649, G replaced by A.
Protein change: p.Arg550Gln; replaces arginine 550 with glutamine.
Molecular consequence: missense variant. On other transcripts: non-coding transcript variant (1).
Genome position (GRCh38, 1-based): chr4:169,537,825, C>T on the plus strand (G>A on the coding strand, the complement: NEK1 is on the minus strand). VCF-style: chr4-169537825-C-T. GRCh37 (hg19) VCF-style: chr4-170458976-C-T.
Other names: c.1517G>A, p.Arg506Gln (NM_001199398.3, NM_001199400.3); c.1442G>A, p.Arg481Gln (NM_001199399.3); c.1649G>A, p.Arg550Gln (NM_001374418.1, NM_001374419.1, NM_012224.4); c.1598G>A, p.Arg533Gln (NM_001374420.1); c.1523G>A, p.Arg508Gln (NM_001374421.1); short protein forms R481Q, R533Q, R506Q, R508Q, R550Q.
Identifiers: ClinVar variation 1480835 (VCV001480835.6), dbSNP rs767374907, ClinGen allele CA3137679.

ClinVar aggregate classification (germline): Uncertain significance (1 of 4 stars; one submission).

Conditions:
Short-rib thoracic dysplasia 6 with or without polydactyly (SRTD6). Also called: SHORT-RIB THORACIC DYSPLASIA 6 WITH POLYDACTYLY; POLYDACTYLY WITH NEONATAL CHONDRODYSTROPHY, TYPE II; SHORT-RIB THORACIC DYSPLASIA 6 WITHOUT POLYDACTYLY; Majewski Syndrome; SHORT RIB-POLYDACTYLY SYNDROME, TYPE IIA. Identifiers: MedGen C0024507, MONDO:0009894, OMIM 263520.

Allele frequency attached by ClinVar (database versions not stated): gnomAD exomes below 0.00001; ExAC 0.00001.
gnomAD v4.1: 2 of 1,612,698 alleles (0.00012%); highest among the groups gnomAD compares: South Asian, 0.0011%; no homozygotes.

Submission:

Labcorp Genetics (formerly Invitae), Labcorp
Classification: Uncertain significance for Short-rib thoracic dysplasia 6 with or without polydactyly. Last evaluated: 2024-10-07. Review status: criteria provided, single submitter. Criteria: Invitae Variant Classification Sherloc (09022015). Collection method: clinical testing. Allele origin: germline.
Comment: This sequence change replaces arginine, which is basic and polar, with glutamine, which is neutral and polar, at codon 550 of the NEK1 protein (p.Arg550Gln). This variant is present in population databases (rs767374907, gnomAD 0.0009%). This variant has not been reported in the literature in individuals affected with NEK1-related conditions. ClinVar contains an entry for this variant (Variation ID: 1480835). Invitae Evidence Modeling of protein sequence and biophysical properties (such as structural, functional, and spatial information, amino acid conservation, physicochemical variation, residue mobility, and thermodynamic stability) has been performed for this missense variant. However, the output from this modeling did not meet the statistical confidence thresholds required to predict the impact of this variant on NEK1 protein function. In summary, the available evidence is currently insufficient to determine the role of this variant in disease. Therefore, it has been classified as a Variant of Uncertain Significance.